The following is an entry in ClinVar:

ClinVar aggregate classification (germline): Uncertain significance (1 of 4 stars; one submission).

Conditions:
Inborn genetic diseases. Identifiers: MedGen C0950123, MeSH D030342.

Submission:

Ambry Genetics
Classification: Uncertain significance for Inborn genetic diseases. Last evaluated: 2025-05-22. Review status: criteria provided, single submitter. Criteria: Ambry Variant Classification Scheme 2023. Collection method: clinical testing. Allele origin: germline.
Comment: The p.K1663E variant (also known as c.4987A>G), located in coding exon 20 of the FANCM gene, results from an A to G substitution at nucleotide position 4987. The lysine at codon 1663 is replaced by glutamic acid, an amino acid with similar properties. This amino acid position is conserved. In addition, this alteration is predicted to be tolerated by in silico analysis. Based on the available evidence, the clinical significance of this variant remains unclear.

NM_020937.4(FANCM):c.4987A>G (p.Lys1663Glu)

Gene: FANCM (FA complementation group M; plus strand). Cytogenetic location: 14q21.2.
Variant type: single nucleotide variant.
Coding change: c.4987A>G on transcript NM_020937.4 (MANE Select); coding-DNA position 4987, A replaced by G.
Protein change: p.Lys1663Glu; replaces lysine 1663 with glutamic acid.
Molecular consequence: missense variant.
Genome position (GRCh38, 1-based): chr14:45,189,009, A>G. VCF-style: chr14-45189009-A-G. GRCh37 (hg19) VCF-style: chr14-45658212-A-G.
Other names: c.4909A>G, p.Lys1637Glu (NM_001308133.2); short protein forms K1663E, K1637E.
Identifiers: ClinVar variation 4022804 (VCV004022804.1).
Genomic context (GRCh38, chr14:45,189,009, plus strand): 5'-ACTCGACGTGCAGTAATGCTAAAAGAAATGATGGAACAAAATTGTGCACATTCAAAAAAG[A>G]AATTATCCAGAATTATTTTACCAGATGATTCAAGTGAGGAGGAGAACAATGTAAATGATA-3'
Protein context (NP_065988.1, residues 1653-1673): MEQNCAHSKK[Lys1663Glu]LSRIILPDDS